The following is an entry in ClinVar:

NM_001283009.2(RTEL1):c.3881T>C (p.Val1294Ala)

Genes: RTEL1 (regulator of telomere elongation helicase 1; plus strand), RTEL1-TNFRSF6B (RTEL1-TNFRSF6B readthrough (NMD candidate); plus strand). Cytogenetic location: 20q13.33.
Variant type: single nucleotide variant.
Coding change: c.3881T>C on transcript NM_001283009.2 (MANE Select); coding-DNA position 3881, T replaced by C.
Protein change: p.Val1294Ala; replaces valine 1294 with alanine.
Molecular consequence: missense variant. On other transcripts: non-coding transcript variant (1), 3 prime UTR variant (3).
Genome position (GRCh38, 1-based): chr20:63,695,836, T>C. VCF-style: chr20-63695836-T-C. GRCh37 (hg19) VCF-style: chr20-62327189-T-C.
Other names: c.*51T>C (NM_001283010.1, NM_016434.4, NM_032957.5); short protein forms V1294A.
Identifiers: ClinVar variation 3750237 (VCV003750237.3).

ClinVar aggregate classification (germline): Uncertain significance. Review status: criteria provided, multiple submitters, no conflicts (2 of 4 stars). 2 submissions from 2 submitters: Uncertain significance (2). Last evaluated 2025-05-05.

Conditions:
Inborn genetic diseases. Identifiers: MedGen C0950123, MeSH D030342.
Pulmonary fibrosis and/or bone marrow failure, Telomere-related, 3. Also called: PULMONARY FIBROSIS AND/OR BONE MARROW FAILURE SYNDROME, TELOMERE-RELATED, 3. Identifiers: Orphanet 2032, MedGen C4225346, MONDO:0014613, OMIM 616373.
Dyskeratosis congenita, autosomal recessive 5 (DKCB5). Identifiers: MedGen C3554656, MONDO:0014076, OMIM 615190.

gnomAD v4.1: 1 of 1,596,736 alleles (0.000063%); highest among the groups gnomAD compares: Non-Finnish European, 0.000085%; no homozygotes.

Submissions (2):

Ambry Genetics
Classification: Uncertain significance for Inborn genetic diseases. Last evaluated: 2025-05-05. Review status: criteria provided, single submitter. Criteria: Ambry Variant Classification Scheme 2023. Collection method: clinical testing. Allele origin: germline.
Comment: The p.V1294A variant (also known as c.3881T>C), located in coding exon 34 of the RTEL1 gene, results from a T to C substitution at nucleotide position 3881. The valine at codon 1294 is replaced by alanine, an amino acid with similar properties. This amino acid position is conserved. In addition, the in silico prediction for this alteration is inconclusive. Based on the available evidence, the clinical significance of this variant remains unclear.

Labcorp Genetics (formerly Invitae), Labcorp
Classification: Uncertain significance for Dyskeratosis congenita, autosomal recessive 5; Pulmonary fibrosis and/or bone marrow failure, Telomere-related, 3. Last evaluated: 2025-01-08. Review status: criteria provided, single submitter. Criteria: Invitae Variant Classification Sherloc (09022015). Collection method: clinical testing. Allele origin: germline.
Comment: This sequence change replaces valine, which is neutral and non-polar, with alanine, which is neutral and non-polar, at codon 1294 of the RTEL1 protein (p.Val1294Ala). This variant is not present in population databases (gnomAD no frequency). This variant has not been reported in the literature in individuals affected with RTEL1-related conditions. An algorithm developed to predict the effect of missense changes on protein structure and function (PolyPhen-2) suggests that this variant is likely to be tolerated. In summary, the available evidence is currently insufficient to determine the role of this variant in disease. Therefore, it has been classified as a Variant of Uncertain Significance.